The following is an entry in ClinVar:

NM_003106.4(SOX2):c.424G>C (p.Gly142Arg)

Genes: SOX2 (SRY-box transcription factor 2; plus strand), SOX2-OT (SOX2 overlapping transcript; plus strand), LOC108281177 (SOX2 5' regulatory region; plus strand). Cytogenetic location: 3q26.33.
Variant type: single nucleotide variant.
Coding change: c.424G>C on transcript NM_003106.4 (MANE Select); coding-DNA position 424, G replaced by C.
Protein change: p.Gly142Arg; replaces glycine 142 with arginine.
Molecular consequence: missense variant.
Genome position (GRCh38, 1-based): chr3:181,712,784, G>C. VCF-style: chr3-181712784-G-C. GRCh37 (hg19) VCF-style: chr3-181430572-G-C.
Other names: short protein forms G142R.
Identifiers: ClinVar variation 578226 (VCV000578226.10), dbSNP rs1560264525, ClinGen allele CA355473848.

ClinVar aggregate classification (germline): Uncertain significance. Review status: criteria provided, multiple submitters, no conflicts (2 of 4 stars). 2 submissions from 2 submitters: Uncertain significance (2). Last evaluated 2024-02-20.

Conditions:
Anophthalmia/microphthalmia-esophageal atresia syndrome (MCOPS3). Also called: AEG SYNDROME; SOX2 Disorder; MICROPHTHALMIA AND ESOPHAGEAL ATRESIA SYNDROME. Identifiers: Orphanet 77298, MedGen C1859773, MONDO:0008799, OMIM 206900.

Submissions (2):

GeneDx
Classification: Uncertain significance. Last evaluated: 2024-02-20. Review status: criteria provided, single submitter. Criteria: GeneDx Variant Classification Process June 2021. Collection method: clinical testing. Allele origin: germline. Affected: yes.
Comment: Not observed at significant frequency in large population cohorts (gnomAD); In silico analysis supports that this missense variant does not alter protein structure/function; Has not been previously published as pathogenic or benign to our knowledge

Labcorp Genetics (formerly Invitae), Labcorp
Classification: Uncertain significance for Anophthalmia/microphthalmia-esophageal atresia syndrome. Last evaluated: 2018-06-01. Review status: criteria provided, single submitter. Criteria: Invitae Variant Classification Sherloc (09022015). Collection method: clinical testing. Allele origin: germline.
Comment: This sequence change replaces glycine with arginine at codon 142 of the SOX2 protein (p.Gly142Arg). The glycine residue is highly conserved and there is a moderate physicochemical difference between glycine and arginine. This variant is not present in population databases (ExAC no frequency). This variant has not been reported in the literature in individuals with SOX2-related disease. Algorithms developed to predict the effect of missense changes on protein structure and function are either unavailable or do not agree on the potential impact of this missense change (SIFT: "Deleterious"; PolyPhen-2: "Benign"; Align-GVGD: "Class C15"). In summary, the available evidence is currently insufficient to determine the role of this variant in disease. Therefore, it has been classified as a Variant of Uncertain Significance.